The following is an entry in ClinVar:

ClinVar aggregate classification (germline): Conflicting classifications of pathogenicity. Review status: criteria provided, conflicting classifications (1 of 4 stars). 5 submissions from 5 submitters: Uncertain significance (3); Likely benign (1). 1 of the submissions does not count toward it. Last evaluated 2025-08-14.

Conditions:
CENPF-related disorder. Also called: CENPF-related condition.
Inborn genetic diseases. Identifiers: MedGen C0950123, MeSH D030342.

Allele frequency attached by ClinVar (database versions not stated): gnomAD exomes 0.00006 and 0.00020; ExAC 0.00027; 1000 Genomes Project 30x 0.00062; 1000 Genomes Project 0.00080; ESP Exome Variant Server 0.00085; gnomAD 0.00096 and 0.00101; TOPMed 0.00142.
gnomAD v4.1: 260 of 1,614,124 alleles (0.016%); highest among the groups gnomAD compares: African/African-American, 0.24%; 1 homozygote.

Submissions (5):

Ambry Genetics
Classification: Uncertain significance for Inborn genetic diseases. Last evaluated: 2025-08-14. Review status: criteria provided, single submitter. Criteria: Ambry Variant Classification Scheme 2023. Collection method: clinical testing. Allele origin: germline.

Labcorp Genetics (formerly Invitae), Labcorp
Classification: Likely benign. Last evaluated: 2025-05-20. Review status: criteria provided, single submitter. Criteria: Invitae Variant Classification Sherloc (09022015). Collection method: clinical testing. Allele origin: germline.

Women's Health and Genetics/Laboratory Corporation of America, LabCorp
Classification: Uncertain significance. Last evaluated: 2025-05-08. Review status: criteria provided, single submitter. Criteria: LabCorp Variant Classification Summary - May 2015. Collection method: clinical testing. Allele origin: germline.
Comment: Variant summary: CENPF c.4313A>G (p.Tyr1438Cys) results in a non-conservative amino acid change in the encoded protein sequence. Algorithms developed to predict the effect of missense changes on protein structure and function are either unavailable or do not agree on the potential impact of this missense change. The variant allele was found at a frequency of 0.0002 in 250664 control chromosomes. This frequency is not significantly higher than estimated for a pathogenic variant in CENPF causing Stromme Syndrome, allowing no conclusion about variant significance. To our knowledge, no occurrence of c.4313A>G in individuals affected with Stromme Syndrome and no experimental evidence demonstrating its impact on protein function have been reported. ClinVar contains an entry for this variant (Variation ID: 738868). Based on the evidence outlined above, the variant was classified as uncertain significance.

GeneDx
Classification: Uncertain significance. Last evaluated: 2023-09-22. Review status: criteria provided, single submitter. Criteria: GeneDx Variant Classification Process June 2021. Collection method: clinical testing. Allele origin: germline. Affected: yes.
Comment: In silico analysis supports that this missense variant has a deleterious effect on protein structure/function; Has not been previously published as pathogenic or benign to our knowledge

PreventionGenetics, part of Exact Sciences
Classification: Likely benign for CENPF-related condition. Last evaluated: 2023-10-05. Review status: no assertion criteria provided. Collection method: clinical testing. Allele origin: germline. Not counted in ClinVar's aggregate classification.
Comment: This variant is classified as likely benign based on ACMG/AMP sequence variant interpretation guidelines (Richards et al. 2015 PMID: 25741868, with internal and published modifications).

NM_016343.4(CENPF):c.4313A>G (p.Tyr1438Cys)

Gene: CENPF (centromere protein F; plus strand). Cytogenetic location: 1q41.
Variant type: single nucleotide variant.
Coding change: c.4313A>G on transcript NM_016343.4 (MANE Select); coding-DNA position 4313, A replaced by G.
Protein change: p.Tyr1438Cys; replaces tyrosine 1438 with cysteine.
Molecular consequence: missense variant.
Genome position (GRCh38, 1-based): chr1:214,642,651, A>G. VCF-style: chr1-214642651-A-G. GRCh37 (hg19) VCF-style: chr1-214815994-A-G.
Other names: short protein forms Y1438C.
Identifiers: ClinVar variation 738868 (VCV000738868.14), dbSNP rs142984971, ClinGen allele CA1390570.